The following is an entry in ClinVar:

NM_000426.4(LAMA2):c.6235A>T (p.Thr2079Ser)

Genes: LAMA2 (laminin subunit alpha 2; plus strand), LOC123864065 (Sharpr-MPRA regulatory region 661; plus strand). Cytogenetic location: 6q22.33.
Variant type: single nucleotide variant.
Coding change: c.6235A>T on transcript NM_000426.4 (MANE Select); coding-DNA position 6235, A replaced by T.
Protein change: p.Thr2079Ser; replaces threonine 2079 with serine.
Molecular consequence: missense variant.
Genome position (GRCh38, 1-based): chr6:129,440,965, A>T. VCF-style: chr6-129440965-A-T. GRCh37 (hg19) VCF-style: chr6-129762110-A-T.
Other names: c.6235A>T, p.Thr2079Ser (NM_001079823.2); short protein forms T2079S.
Identifiers: ClinVar variation 2175303 (VCV002175303.3), dbSNP rs189718453, ClinGen allele CA3994143.

ClinVar aggregate classification (germline): Uncertain significance. Review status: criteria provided, multiple submitters, no conflicts (2 of 4 stars). 2 submissions from 2 submitters: Uncertain significance (2). Last evaluated 2023-06-27.

Conditions:
LAMA2-related muscular dystrophy (LAMA2-RD). Also called: Laminin alpha 2-related dystrophy. Identifiers: MedGen C5679788, MONDO:0100228.

Allele frequency attached by ClinVar (database versions not stated): ExAC 0.00002; gnomAD 0.00004; gnomAD exomes 0.00004; 1000 Genomes Project 30x 0.00016; 1000 Genomes Project 0.00020.
gnomAD v4.1: 32 of 1,613,866 alleles (0.002%); highest among the groups gnomAD compares: East Asian, 0.071%; no homozygotes.

Submissions (2):

Revvity Omics, Revvity
Classification: Uncertain significance. Last evaluated: 2023-06-27. Review status: criteria provided, single submitter. Criteria: ACMG Guidelines, 2015. Collection method: clinical testing. Allele origin: germline.

Labcorp Genetics (formerly Invitae), Labcorp
Classification: Uncertain significance for LAMA2-related muscular dystrophy. Last evaluated: 2022-04-22. Review status: criteria provided, single submitter. Criteria: Invitae Variant Classification Sherloc (09022015). Collection method: clinical testing. Allele origin: germline.
Comment: This sequence change replaces threonine, which is neutral and polar, with serine, which is neutral and polar, at codon 2079 of the LAMA2 protein (p.Thr2079Ser). This variant is present in population databases (rs189718453, gnomAD 0.01%). This variant has not been reported in the literature in individuals affected with LAMA2-related conditions. Advanced modeling of protein sequence and biophysical properties (such as structural, functional, and spatial information, amino acid conservation, physicochemical variation, residue mobility, and thermodynamic stability) performed at Invitae indicates that this missense variant is not expected to disrupt LAMA2 protein function. In summary, the available evidence is currently insufficient to determine the role of this variant in disease. Therefore, it has been classified as a Variant of Uncertain Significance.